The following is an entry in ClinVar:

ClinVar aggregate classification (germline): Likely benign. Review status: criteria provided, single submitter (1 of 4 stars). 2 submissions from 2 submitters: Likely benign (1). 1 of the submissions does not count toward it. Last evaluated 2025-11-17.

Conditions:
SATB2-related disorder. Also called: SATB2-related condition.
Chromosome 2q32-q33 deletion syndrome (GLASS). Also called: 2q33.1 deletion syndrome; Glass syndrome. Identifiers: Orphanet 251019, MedGen C2676739, MONDO:0012864, OMIM 612313.

Allele frequency attached by ClinVar (database versions not stated): gnomAD exomes 0.00003 and 0.00005; TOPMed 0.00004; gnomAD 0.00005 and 0.00006; ExAC 0.00006; ESP Exome Variant Server 0.00038.
gnomAD v4.1: 79 of 1,614,076 alleles (0.0049%); highest among the groups gnomAD compares: Non-Finnish European, 0.0059%; no homozygotes.

Submissions (2):

Labcorp Genetics (formerly Invitae), Labcorp
Classification: Likely benign for Chromosome 2q32-q33 deletion syndrome. Last evaluated: 2025-11-17. Review status: criteria provided, single submitter. Criteria: Invitae Variant Classification Sherloc (09022015). Collection method: clinical testing. Allele origin: germline.

PreventionGenetics, part of Exact Sciences
Classification: Likely benign for SATB2-related condition. Last evaluated: 2019-03-13. Review status: no assertion criteria provided. Collection method: clinical testing. Allele origin: germline. Not counted in ClinVar's aggregate classification.
Comment: This variant is classified as likely benign based on ACMG/AMP sequence variant interpretation guidelines (Richards et al. 2015 PMID: 25741868, with internal and published modifications).

NM_001172509.2(SATB2):c.2052G>A (p.Val684=)

Genes: SATB2 (SATB homeobox 2; minus strand), LOC126806462 (MED14-independent group 3 enhancer GRCh37_chr2:200136608-200137807; plus strand). Cytogenetic location: 2q33.1.
Variant type: single nucleotide variant.
Coding change: c.2052G>A on transcript NM_001172509.2 (MANE Select); coding-DNA position 2052, G replaced by A.
Protein change: p.Val684=; no amino-acid change (valine 684 retained).
Molecular consequence: synonymous variant.
Genome position (GRCh38, 1-based): chr2:199,272,361, C>T on the plus strand (G>A on the coding strand, the complement: SATB2 is on the minus strand). VCF-style: chr2-199272361-C-T. GRCh37 (hg19) VCF-style: chr2-200137084-C-T.
Other names: c.2052G>A, p.Val684= (NM_001172517.1, NM_015265.4).
Identifiers: ClinVar variation 646453 (VCV000646453.15), dbSNP rs200632115, ClinGen allele CA2045764.